The following is an entry in ClinVar:

NM_001369.3(DNAH5):c.3835-2del

Genes: DNAH5-AS1 (DNAH5 antisense RNA 1; plus strand), DNAH5 (dynein axonemal heavy chain 5; minus strand). Cytogenetic location: 5p15.2.
Variant type: Deletion.
Coding change: c.3835-2del on transcript NM_001369.3 (MANE Select); the canonical splice acceptor site of the intron before coding-DNA position 3835, one base deleted (A; older notation c.3835-2delA).
Molecular consequence: splice acceptor variant.
Genome position (GRCh38, 1-based): chr5:13,867,994, T deleted on the plus strand (A on the coding strand, the reverse complement: DNAH5 is on the minus strand). VCF-style (leftmost placement, unchanged base first): chr5-13867993-CT-C. GRCh37 (hg19) VCF-style: chr5-13868102-CT-C.
Identifiers: ClinVar variation 1067338 (VCV001067338.8), dbSNP rs2151914274, ClinGen allele CA2499217642.

ClinVar aggregate classification (germline): Pathogenic/Likely pathogenic. Review status: criteria provided, multiple submitters, no conflicts (2 of 4 stars). 2 submissions from 2 submitters: Pathogenic (1); Likely pathogenic (1). Last evaluated 2025-09-26.

Conditions:
Primary ciliary dyskinesia. Also called: Ciliary dyskinesia. Identifiers: Orphanet 244, MedGen C0008780, MONDO:0016575, HP:0012265.

Submissions (2):

GeneDx
Classification: Likely pathogenic. Last evaluated: 2025-09-26. Review status: criteria provided, single submitter. Criteria: GeneDx Variant Classification Process June 2021. Collection method: clinical testing. Allele origin: germline. Affected: yes.
Comment: Canonical splice site variant predicted to result in an in-frame loss of the adjacent exon in a gene for which loss of function is a known mechanism of disease; Not observed at significant frequency in large population cohorts (gnomAD); Has not been previously published as pathogenic or benign to our knowledge

Labcorp Genetics (formerly Invitae), Labcorp
Classification: Pathogenic for Primary ciliary dyskinesia. Last evaluated: 2025-09-08. Review status: criteria provided, single submitter. Criteria: Invitae Variant Classification Sherloc (09022015). Collection method: clinical testing. Allele origin: germline.
Comment: This sequence change affects a splice site in intron 24 of the DNAH5 gene. It is expected to disrupt RNA splicing. Variants that disrupt the donor or acceptor splice site typically lead to a loss of protein function (PMID: 16199547), and loss-of-function variants in DNAH5 are known to be pathogenic (PMID: 11788826, 16627867). This variant is not present in population databases (gnomAD no frequency). Disruption of this splice site has been observed in individual(s) with clinical features of primary ciliary dyskinesia (internal data). ClinVar contains an entry for this variant (Variation ID: 1067338). Algorithms developed to predict the effect of sequence changes on RNA splicing suggest that this variant may disrupt the consensus splice site. For these reasons, this variant has been classified as Pathogenic.

Literature cited by the submitters: PubMed 16199547 (cited by Labcorp Genetics (formerly Invitae), Labcorp); PubMed 11788826 (cited by Labcorp Genetics (formerly Invitae), Labcorp); PubMed 16627867 (cited by Labcorp Genetics (formerly Invitae), Labcorp).